The following is an entry in ClinVar:

ClinVar aggregate classification (germline): Likely benign (1 of 4 stars; one submission).

Allele frequency attached by ClinVar (database versions not stated): 1000 Genomes Project 0.01058; 1000 Genomes Project 30x 0.01093; TOPMed 0.01629; gnomAD 0.01714 and 0.01757.
gnomAD v4.1: 2,652 of 152,286 alleles (1.7%); highest among the groups gnomAD compares: Non-Finnish European, 2.5%; 40 homozygotes.

Submission:

GeneDx
Classification: Likely benign. Last evaluated: 2018-06-16. Review status: criteria provided, single submitter. Criteria: GeneDx Variant Classification (06012015). Collection method: clinical testing. Allele origin: germline. Affected: yes.
Comment: This variant is considered likely benign or benign based on one or more of the following criteria: it is a conservative change, it occurs at a poorly conserved position in the protein, it is predicted to be benign by multiple in silico algorithms, and/or has population frequency not consistent with disease.

NM_001376.5(DYNC1H1):c.3804+279A>G

Gene: DYNC1H1 (dynein cytoplasmic 1 heavy chain 1; plus strand). Cytogenetic location: 14q32.31.
Variant type: single nucleotide variant.
Coding change: c.3804+279A>G on transcript NM_001376.5 (MANE Select); 279 bases into the intron after coding-DNA position 3804, A replaced by G.
Molecular consequence: intron variant.
Genome position (GRCh38, 1-based): chr14:101,997,553, A>G. VCF-style: chr14-101997553-A-G. GRCh37 (hg19) VCF-style: chr14-102463890-A-G.
Identifiers: ClinVar variation 673631 (VCV000673631.1), dbSNP rs141509351, ClinGen allele CA266989494.
Genomic context (GRCh38, chr14:101,997,553, plus strand): 5'-TTAAGGATTAAAGTTTTTCTGTTCTTAGATCATTCTCTTACGTAGATATGCGCAGAAATT[A>G]GAGTTTAATTTCCTGTAGACAAAGGCCAAGCTTTCCACTGCTGCTGCTAGTTAATTTAAT-3'